The following is an entry in ClinVar:

ClinVar aggregate classification (germline): Likely benign. Review status: criteria provided, multiple submitters, no conflicts (2 of 4 stars). 2 submissions from 2 submitters: Likely benign (2). Last evaluated 2025-12-24.

Conditions:
Tuberous sclerosis 2 (TSC2). Identifiers: Orphanet 805, MedGen C1860707, MONDO:0013199, OMIM 613254.

Allele frequency attached by ClinVar (database versions not stated): gnomAD exomes below 0.00001.
gnomAD v4.1: 2 of 1,573,504 alleles (0.00013%); highest among the groups gnomAD compares: Middle Eastern, 0.04%; no homozygotes.

Submissions (2):

Labcorp Genetics (formerly Invitae), Labcorp
Classification: Likely benign for Tuberous sclerosis 2. Last evaluated: 2025-12-24. Review status: criteria provided, single submitter. Criteria: Invitae Variant Classification Sherloc (09022015). Collection method: clinical testing. Allele origin: germline.

Myriad Genetics, Inc.
Classification: Likely benign for Tuberous sclerosis 2. Last evaluated: 2025-05-02. Review status: criteria provided, single submitter. Criteria: Myriad Autosomal Dominant, Autosomal Recessive and X-Linked Classification Criteria (2023). Collection method: clinical testing. Allele origin: unknown.
Comment: This variant is considered likely benign. This variant is intronic and is not expected to impact mRNA splicing.

NM_000548.5(TSC2):c.226-7G>C

Gene: TSC2 (TSC complex subunit 2; plus strand). Cytogenetic location: 16p13.3.
Variant type: single nucleotide variant.
Coding change: c.226-7G>C on transcript NM_000548.5 (MANE Select); 7 bases into the intron before coding-DNA position 226, G replaced by C.
Molecular consequence: intron variant.
Genome position (GRCh38, 1-based): chr16:2,053,335, G>C. VCF-style: chr16-2053335-G-C. GRCh37 (hg19) VCF-style: chr16-2103336-G-C.
Other names: c.226-7G>C (NM_001114382.3, NM_021055.3, NM_001370405.1 and 3 more transcripts); c.226-961G>C (NM_001318827.2); c.-2+2849G>C (NM_001318831.2); c.79-7G>C (NM_001318829.2); c.259-7G>C (NM_001318832.2).
Identifiers: ClinVar variation 536106 (VCV000536106.9), dbSNP rs1555496912, ClinGen allele CA658798466.